The following is an entry in ClinVar:

NM_002156.5(HSPD1):c.482C>T (p.Pro161Leu)

Gene: HSPD1 (heat shock protein family D (Hsp60) member 1; minus strand). Cytogenetic location: 2q33.1.
Variant type: single nucleotide variant.
Coding change: c.482C>T on transcript NM_002156.5 (MANE Select); coding-DNA position 482, C replaced by T.
Protein change: p.Pro161Leu; replaces proline 161 with leucine.
Molecular consequence: missense variant.
Genome position (GRCh38, 1-based): chr2:197,495,322, G>A on the plus strand (C>T on the coding strand, the complement: HSPD1 is on the minus strand). VCF-style: chr2-197495322-G-A. GRCh37 (hg19) VCF-style: chr2-198360046-G-A.
Other names: p.Pro161Leu; c.482C>T, p.Pro161Leu (NM_199440.2); short protein forms P161L.
Identifiers: ClinVar variation 4540793 (VCV004540793.1).

ClinVar aggregate classification (germline): Uncertain significance (1 of 4 stars; one submission).

gnomAD v4.1: 2 of 1,610,472 alleles (0.00012%); highest among the groups gnomAD compares: Non-Finnish European, 0.00017%; no homozygotes.

Submission:

Mayo Clinic Laboratories, Mayo Clinic
Classification: Uncertain significance. Last evaluated: 2025-06-05. Review status: criteria provided, single submitter. Criteria: ACMG Guidelines, 2015. Collection method: clinical testing. Allele origin: germline. Observed: 1 variant allele.
Comment: PP3_moderate